The following is an entry in ClinVar:

ClinVar aggregate classification (germline): Uncertain significance (1 of 4 stars; one submission).

Conditions:
Aortic valve disease 2 (AOVD2). Identifiers: MedGen C3542024, MONDO:0013902, OMIM 614823.

Submission:

Labcorp Genetics (formerly Invitae), Labcorp
Classification: Uncertain significance for Aortic valve disease 2. Last evaluated: 2023-10-24. Review status: criteria provided, single submitter. Criteria: Invitae Variant Classification Sherloc (09022015). Collection method: clinical testing. Allele origin: germline.
Comment: This sequence change replaces lysine, which is basic and polar, with glutamine, which is neutral and polar, at codon 470 of the SMAD6 protein (p.Lys470Gln). This variant is not present in population databases (gnomAD no frequency). This variant has not been reported in the literature in individuals affected with SMAD6-related conditions. Advanced modeling of protein sequence and biophysical properties (such as structural, functional, and spatial information, amino acid conservation, physicochemical variation, residue mobility, and thermodynamic stability) performed at Invitae indicates that this missense variant is expected to disrupt SMAD6 protein function with a positive predictive value of 80%. In summary, the available evidence is currently insufficient to determine the role of this variant in disease. Therefore, it has been classified as a Variant of Uncertain Significance.

NM_005585.5(SMAD6):c.1408A>C (p.Lys470Gln)

Gene: SMAD6 (SMAD family member 6; plus strand). Cytogenetic location: 15q22.31.
Variant type: single nucleotide variant.
Coding change: c.1408A>C on transcript NM_005585.5 (MANE Select); coding-DNA position 1408, A replaced by C.
Protein change: p.Lys470Gln; replaces lysine 470 with glutamine.
Molecular consequence: missense variant. On other transcripts: non-coding transcript variant (1).
Genome position (GRCh38, 1-based): chr15:66,781,452, A>C. VCF-style: chr15-66781452-A-C. GRCh37 (hg19) VCF-style: chr15-67073790-A-C.
Other names: short protein forms K470Q.
Identifiers: ClinVar variation 2788611 (VCV002788611.3), dbSNP rs1403725334, ClinGen allele CA393202473.